The following is an entry in ClinVar:

ClinVar aggregate classification (germline): Uncertain significance (1 of 4 stars; one submission).

Conditions:
Deficiency of alpha-mannosidase (MANSA). Also called: Mannosidosis, alpha-, types I and II; LYSOSOMAL ALPHA-D-MANNOSIDASE DEFICIENCY; Alpha-Mannosidosis. Identifiers: Orphanet 61, MedGen C0024748, MONDO:0009561, OMIM 248500.

Allele frequency attached by ClinVar (database versions not stated): ExAC 0.00001; TOPMed 0.00002; ESP Exome Variant Server 0.00008.
gnomAD v4.1: 1 of 1,613,252 alleles (0.000062%); highest among the groups gnomAD compares: African/African-American, 0.0013%; no homozygotes.

Submission:

Labcorp Genetics (formerly Invitae), Labcorp
Classification: Uncertain significance for Deficiency of alpha-mannosidase. Last evaluated: 2025-06-03. Review status: criteria provided, single submitter. Criteria: Invitae Variant Classification Sherloc (09022015). Collection method: clinical testing. Allele origin: germline.
Comment: This sequence change replaces glycine, which is neutral and non-polar, with valine, which is neutral and non-polar, at codon 485 of the MAN2B1 protein (p.Gly485Val). This variant is present in population databases (rs373553609, gnomAD 0.01%). This variant has not been reported in the literature in individuals affected with MAN2B1-related conditions. ClinVar contains an entry for this variant (Variation ID: 2169178). Invitae Evidence Modeling of protein sequence and biophysical properties (such as structural, functional, and spatial information, amino acid conservation, physicochemical variation, residue mobility, and thermodynamic stability) indicates that this missense variant is not expected to disrupt MAN2B1 protein function with a negative predictive value of 95%. In summary, the available evidence is currently insufficient to determine the role of this variant in disease. Therefore, it has been classified as a Variant of Uncertain Significance.

NM_000528.4(MAN2B1):c.1454G>T (p.Gly485Val)

Gene: MAN2B1 (mannosidase alpha class 2B member 1; minus strand). Cytogenetic location: 19p13.13.
Variant type: single nucleotide variant.
Coding change: c.1454G>T on transcript NM_000528.4 (MANE Select); coding-DNA position 1454, G replaced by T.
Protein change: p.Gly485Val; replaces glycine 485 with valine.
Molecular consequence: missense variant.
Genome position (GRCh38, 1-based): chr19:12,657,022, C>A on the plus strand (G>T on the coding strand, the complement: MAN2B1 is on the minus strand). VCF-style: chr19-12657022-C-A. GRCh37 (hg19) VCF-style: chr19-12767836-C-A.
Other names: c.1451G>T, p.Gly484Val (NM_001173498.2); short protein forms G484V, G485V.
Identifiers: ClinVar variation 2169178 (VCV002169178.4), dbSNP rs373553609, ClinGen allele CA9226431.